The following is an entry in ClinVar:

ClinVar aggregate classification (germline): Uncertain significance. Review status: criteria provided, multiple submitters, no conflicts (2 of 4 stars). 11 submissions from 11 submitters: Uncertain significance (9). 2 of the submissions do not count toward it. Last evaluated 2026-09-11.

Conditions:
ATP7B-related disorder. Also called: ATP7B-related condition.
Wilson disease (WND). Also called: Wilson's disease. Identifiers: Orphanet 905, MedGen C0019202, MONDO:0010200, OMIM 277900. Disease mechanism: loss of function.

Allele frequency attached by ClinVar (database versions not stated): gnomAD exomes 0.00002 and 0.00004; gnomAD 0.00003; ExAC 0.00005; TOPMed 0.00005.
gnomAD v4.1: 28 of 1,613,964 alleles (0.0017%); highest among the groups gnomAD compares: East Asian, 0.011%; no homozygotes.

Submissions (11):

PreventionGenetics, part of Exact Sciences
Classification: Uncertain significance for ATP7B-related condition. Last evaluated: 2026-09-11. Review status: criteria provided, single submitter. Criteria: ACMG Guidelines, 2015. Collection method: clinical testing. Allele origin: germline.
Comment: The ATP7B c.3467G>A variant is predicted to result in the amino acid substitution p.Arg1156His. This variant has been reported in the compound heterozygous state in an individual and affected parent with Wilson disease (Li et al. 2018. PubMed ID: 29979436). This variant has been reported in two cohorts of patients with Wilson disease (Supplemental Fig 2, Chen et al. 2019. PubMed ID: 30655162; Mak et al. 2008. PubMed ID: 18034201); however, additional genetic information on the individuals were not provided. This variant is reported in 0.015% of alleles in individuals of East Asian descent in gnomAD. Functional studies revealed that this variant has similar expression and activity as wild-type (Calvo et al. 2025. PubMed ID: 40661833). Although we suspect this variant to be pathogenic, at this time, the clinical significance of this variant is uncertain due to the absence of conclusive functional and genetic evidence.

Color Diagnostics, LLC DBA Color Health
Classification: Uncertain significance for Wilson disease. Last evaluated: 2025-07-03. Review status: criteria provided, single submitter. Criteria: ACMG Guidelines, 2015. Collection method: clinical testing. Allele origin: germline.
Comment: This missense variant replaces arginine with histidine at codon 1156 of the ATP7B protein. Computational prediction suggests that this variant may have deleterious impact on protein structure and function. To our knowledge, functional studies have not been reported for this variant. This variant has been reported in individuals affected with Wilson disease, including in the compound heterozygous state (PMID: 18034201, 29979436). This variant has been identified in 10/280904 chromosomes in the general population by the Genome Aggregation Database (gnomAD). The available evidence is insufficient to determine the role of this variant in disease conclusively. Therefore, this variant is classified as a Variant of Uncertain Significance.

GeneDx
Classification: Uncertain significance. Last evaluated: 2025-04-25. Review status: criteria provided, single submitter. Criteria: GeneDx Variant Classification Process June 2021. Collection method: clinical testing. Allele origin: germline. Affected: yes.
Comment: In silico analysis supports that this missense variant has a deleterious effect on protein structure/function; This variant is associated with the following publications: (PMID: 22692182, 18034201, 24253677, 29979436, 34426522, 18760268, 30655162, 37937776)

Blueprint Genetics
Classification: Uncertain significance. Last evaluated: 2024-01-18. Review status: criteria provided, single submitter. Criteria: ACMG Guidelines, 2015. Collection method: clinical testing. Allele origin: germline.

All of Us Research Program, National Institutes of Health
Classification: Uncertain significance for Wilson disease. Last evaluated: 2023-12-13. Review status: criteria provided, single submitter. Criteria: ACMG Guidelines, 2015. Collection method: clinical testing. Allele origin: germline. Inheritance: Autosomal recessive inheritance. Observed: 5 variant alleles, 5 heterozygotes.
Comment: This missense variant replaces arginine with histidine at codon 1156 of the ATP7B protein. Computational prediction suggests that this variant may have deleterious impact on protein structure and function (internally defined REVEL score threshold >= 0.7, PMID: 27666373). To our knowledge, functional studies have not been reported for this variant. This variant has been reported in individuals affected with Wilson disease, including in the compound heterozygous state (PMID: 18034201, 29979436). This variant has been identified in 10/280904 chromosomes in the general population by the Genome Aggregation Database (gnomAD). The available evidence is insufficient to determine the role of this variant in disease conclusively. Therefore, this variant is classified as a Variant of Uncertain Significance.

This study involves interpretation of variants in research participants for the purpose of population health screening. Participant phenotype was not available at the time of variant classification. Additional details can be found in publication PMID: 35346344, PMCID: PMC8962531

Fulgent Genetics
Classification: Uncertain significance for Wilson disease. Last evaluated: 2022-05-05. Review status: criteria provided, single submitter. Criteria: ACMG Guidelines, 2015. Collection method: clinical testing. Allele origin: unknown.

Labcorp Genetics (formerly Invitae), Labcorp
Classification: Uncertain significance for Wilson disease. Last evaluated: 2022-04-10. Review status: criteria provided, single submitter. Criteria: Invitae Variant Classification Sherloc (09022015). Collection method: clinical testing. Allele origin: germline.
Comment: This sequence change replaces arginine, which is basic and polar, with histidine, which is basic and polar, at codon 1156 of the ATP7B protein (p.Arg1156His). This variant is present in population databases (rs773917820, gnomAD 0.02%). This missense change has been observed in individual(s) with clinical features of Wilson disease (PMID: 18034201). ClinVar contains an entry for this variant (Variation ID: 282908). Advanced modeling of protein sequence and biophysical properties (such as structural, functional, and spatial information, amino acid conservation, physicochemical variation, residue mobility, and thermodynamic stability) performed at Invitae indicates that this missense variant is expected to disrupt ATP7B protein function. In summary, the available evidence is currently insufficient to determine the role of this variant in disease. Therefore, it has been classified as a Variant of Uncertain Significance.

Genome-Nilou Lab
Classification: Uncertain significance for Wilson disease. Last evaluated: 2021-09-05. Review status: criteria provided, single submitter. Criteria: ACMG Guidelines, 2015. Collection method: clinical testing. Allele origin: germline. Affected: no.

Eurofins Ntd Llc (ga)
Classification: Uncertain significance. Last evaluated: 2015-08-28. Review status: criteria provided, single submitter. Criteria: EGL Classification Definitions 2015. Collection method: clinical testing. Allele origin: germline. Observed: 1 variant allele, 1 heterozygote.

Natera, Inc.
Classification: Uncertain significance for Wilson disease. Last evaluated: 2020-02-04. Review status: no assertion criteria provided. Collection method: clinical testing. Allele origin: germline. Not counted in ClinVar's aggregate classification.

Counsyl
Classification: Uncertain significance for Wilson disease. Last evaluated: 2017-12-28. Review status: no assertion criteria provided. Collection method: clinical testing. Allele origin: unknown. Not counted in ClinVar's aggregate classification.

Literature cited by the submitters: PubMed 18034201 (cited by 4 submitters); PubMed 29979436 (cited by Color Diagnostics, LLC DBA Color Health and All of Us Research Program, National Institutes of Health); PubMed 24253677 (cited by Counsyl); PubMed 22692182 (cited by Counsyl).

NM_000053.4(ATP7B):c.3467G>A (p.Arg1156His)

Gene: ATP7B (ATPase copper transporting beta; minus strand). Cytogenetic location: 13q14.3.
Variant type: single nucleotide variant.
Coding change: c.3467G>A on transcript NM_000053.4 (MANE Select); coding-DNA position 3467, G replaced by A.
Protein change: p.Arg1156His; replaces arginine 1156 with histidine.
Molecular consequence: missense variant.
Genome position (GRCh38, 1-based): chr13:51,941,170, C>T on the plus strand (G>A on the coding strand, the complement: ATP7B is on the minus strand). VCF-style: chr13-51941170-C-T. GRCh37 (hg19) VCF-style: chr13-52515306-C-T.
Other names: c.2846G>A, p.Arg949His (NM_001005918.3); c.3134G>A, p.Arg1045His (NM_001243182.2); c.3233G>A, p.Arg1078His (NM_001330578.2); c.3215G>A, p.Arg1072His (NM_001330579.2); short protein forms R1156H, R1078H, R949H, R1045H, R1072H.
Identifiers: ClinVar variation 282908 (VCV000282908.19), dbSNP rs773917820, ClinGen allele CA6988679.